The following is an entry in ClinVar:

ClinVar aggregate classification (germline): Benign (1 of 4 stars; one submission).

Conditions:
Combined oxidative phosphorylation defect type 8. Also called: CARDIOMYOPATHY, HYPERTROPHIC MITOCHONDRIAL, FATAL INFANTILE. Identifiers: Orphanet 319504, MedGen C4518839, MONDO:0013570, OMIM 614096.

Allele frequency attached by ClinVar (database versions not stated): TOPMed 0.14132; gnomAD 0.18616 and 0.19580; 1000 Genomes Project 30x 0.19831; 1000 Genomes Project 0.20647.
gnomAD v4.1: 22,669 of 115,574 alleles (20%); highest among the groups gnomAD compares: East Asian, 48%; 2,071 homozygotes.

Submission:

Illumina Laboratory Services, Illumina
Classification: Benign for Combined oxidative phosphorylation defect type 8. Last evaluated: 2018-01-13. Review status: criteria provided, single submitter. Criteria: ICSL Variant Classification Criteria 13 December 2019. Collection method: clinical testing. Allele origin: germline.
Comment: This variant was observed in the ICSL laboratory as part of a predisposition screen in an ostensibly healthy population. It had not been previously curated by ICSL or reported in the Human Gene Mutation Database (HGMD: prior to June 1st, 2018), and was therefore a candidate for classification through an automated scoring system. Utilizing variant allele frequency, disease prevalence and penetrance estimates, and inheritance mode, an automated score was calculated to assess if this variant is too frequent to cause the disease. Based on the score and internal cut-off values, a variant classified as benign is not then subjected to further curation. The score for this variant resulted in a classification of benign for this disease.

NM_020745.4(AARS2):c.*1300C>T

Gene: AARS2 (alanyl-tRNA synthetase 2, mitochondrial; minus strand). Cytogenetic location: 6p21.1.
Variant type: single nucleotide variant.
Coding change: c.*1300C>T on transcript NM_020745.4 (MANE Select); 1300 bases downstream of the stop codon, C replaced by T.
Molecular consequence: 3 prime UTR variant.
Genome position (GRCh38, 1-based): chr6:44,299,247, G>A on the plus strand (C>T on the coding strand, the complement: AARS2 is on the minus strand). VCF-style: chr6-44299247-G-A. GRCh37 (hg19) VCF-style: chr6-44266984-G-A.
Identifiers: ClinVar variation 357033 (VCV000357033.5), dbSNP rs1123523, ClinGen allele CA10622202.
Genomic context (GRCh38, chr6:44,299,247, plus strand): 5'-ATCACCATCCACACTCCTGATCCCCATTCTCTATTTCCCCCCCAGACCTCATCACCATCT[G>A]ACACTTTCTCCCTTCTTTTTTTTAAGACAGGGTCTCACTCTGTTGCCTGGAGTGCAGTGG-3'